The following is an entry in ClinVar:

ClinVar aggregate classification (germline): Uncertain significance (1 of 4 stars; one submission).

Conditions:
Primary immunodeficiency with post-measles-mumps-rubella vaccine viral infection. Also called: Immunodeficiency 44. Identifiers: Orphanet 431166, MedGen C4225260, MONDO:0014715, OMIM 616636.

Allele frequency attached by ClinVar (database versions not stated): gnomAD exomes below 0.00001.
gnomAD v4.1: 1 of 1,614,198 alleles (0.000062%); highest among the groups gnomAD compares: Non-Finnish European, 0.000085%; no homozygotes.

Submission:

Labcorp Genetics (formerly Invitae), Labcorp
Classification: Uncertain significance for Primary immunodeficiency with post-measles-mumps-rubella vaccine viral infection. Last evaluated: 2022-04-11. Review status: criteria provided, single submitter. Criteria: Invitae Variant Classification Sherloc (09022015). Collection method: clinical testing. Allele origin: germline.
Comment: This sequence change replaces isoleucine, which is neutral and non-polar, with threonine, which is neutral and polar, at codon 145 of the STAT2 protein (p.Ile145Thr). In summary, the available evidence is currently insufficient to determine the role of this variant in disease. Therefore, it has been classified as a Variant of Uncertain Significance. Advanced modeling of protein sequence and biophysical properties (such as structural, functional, and spatial information, amino acid conservation, physicochemical variation, residue mobility, and thermodynamic stability) performed at Invitae indicates that this missense variant is expected to disrupt STAT2 protein function. This variant has not been reported in the literature in individuals affected with STAT2-related conditions. This variant is not present in population databases (gnomAD no frequency).

NM_005419.4(STAT2):c.434T>C (p.Ile145Thr)

Gene: STAT2 (signal transducer and activator of transcription 2; minus strand). Cytogenetic location: 12q13.3.
Variant type: single nucleotide variant.
Coding change: c.434T>C on transcript NM_005419.4 (MANE Select); coding-DNA position 434, T replaced by C.
Protein change: p.Ile145Thr; replaces isoleucine 145 with threonine.
Molecular consequence: missense variant.
Genome position (GRCh38, 1-based): chr12:56,355,480, A>G on the plus strand (T>C on the coding strand, the complement: STAT2 is on the minus strand). VCF-style: chr12-56355480-A-G. GRCh37 (hg19) VCF-style: chr12-56749264-A-G.
Other names: c.422T>C, p.Ile141Thr (NM_001385110.1, NM_001385115.1, NM_198332.2); c.434T>C, p.Ile145Thr (NM_001385111.1, NM_001385113.1, NM_001385114.1); short protein forms I145T, I141T.
Identifiers: ClinVar variation 2147837 (VCV002147837.4), dbSNP rs2547267962, ClinGen allele CA385263326.